The following is an entry in ClinVar:

NM_024301.5(FKRP):c.1361T>C (p.Phe454Ser)

Gene: FKRP (fukutin related protein; plus strand). Cytogenetic location: 19q13.32.
Variant type: single nucleotide variant.
Coding change: c.1361T>C on transcript NM_024301.5 (MANE Select); coding-DNA position 1361, T replaced by C.
Protein change: p.Phe454Ser; replaces phenylalanine 454 with serine.
Molecular consequence: missense variant.
Genome position (GRCh38, 1-based): chr19:46,756,811, T>C. VCF-style: chr19-46756811-T-C. GRCh37 (hg19) VCF-style: chr19-47260068-T-C.
Other names: c.1361T>C, p.Phe454Ser (NM_001039885.3); short protein forms F454S.
Identifiers: ClinVar variation 2809617 (VCV002809617.3), dbSNP rs2513999501, ClinGen allele CA406497210.

ClinVar aggregate classification (germline): Uncertain significance (1 of 4 stars; one submission).

Conditions:
Walker-Warburg congenital muscular dystrophy. Also called: Muscular dystrophy-dystroglycanopathy, type A; Walker-Warburg syndrome. Identifiers: Orphanet 899, MedGen C0265221, MONDO:0000171.

Submission:

Labcorp Genetics (formerly Invitae), Labcorp
Classification: Uncertain significance for Walker-Warburg congenital muscular dystrophy. Last evaluated: 2022-10-26. Review status: criteria provided, single submitter. Criteria: Invitae Variant Classification Sherloc (09022015). Collection method: clinical testing. Allele origin: germline.
Comment: In summary, the available evidence is currently insufficient to determine the role of this variant in disease. Therefore, it has been classified as a Variant of Uncertain Significance. Advanced modeling of protein sequence and biophysical properties (such as structural, functional, and spatial information, amino acid conservation, physicochemical variation, residue mobility, and thermodynamic stability) performed at Invitae indicates that this missense variant is expected to disrupt FKRP protein function. This variant has not been reported in the literature in individuals affected with FKRP-related conditions. This variant is not present in population databases (gnomAD no frequency). This sequence change replaces phenylalanine, which is neutral and non-polar, with serine, which is neutral and polar, at codon 454 of the FKRP protein (p.Phe454Ser).